The following is an entry in ClinVar:

ClinVar aggregate classification (germline): Uncertain significance. Review status: criteria provided, multiple submitters, no conflicts (2 of 4 stars). 4 submissions from 4 submitters: Uncertain significance (3). 1 of the submissions does not count toward it. Last evaluated 2025-06-30.

Conditions:
Inborn genetic diseases. Identifiers: MedGen C0950123, MeSH D030342.
Diamond-Blackfan anemia. Also called: Blackfan Diamond syndrome; Aregenerative anemia chronic congenital; Red cell aplasia, pure hereditary; Congenital hypoplastic anemia; Aase syndrome. Identifiers: Orphanet 124, MedGen C1260899, MeSH D029503, MONDO:0015253, HP:0004810.
GATA binding protein 1 related thrombocytopenia with dyserythropoiesis. Also called: GATA1-Related Cytopenia; GATA1-Related X-Linked Cytopenia. Identifiers: MedGen C1845837, MONDO:0100089.

Allele frequency attached by ClinVar (database versions not stated): gnomAD exomes 0.00002.
gnomAD v4.1: 12 of 1,207,658 alleles (0.00099%); highest among the groups gnomAD compares: Non-Finnish European, 0.0012%; no homozygotes.

Submissions (4):

Ambry Genetics
Classification: Uncertain significance for Inborn genetic diseases. Last evaluated: 2025-06-30. Review status: criteria provided, single submitter. Criteria: Ambry Variant Classification Scheme 2023. Collection method: clinical testing. Allele origin: germline.

Revvity Omics, Revvity
Classification: Uncertain significance. Last evaluated: 2024-07-17. Review status: criteria provided, single submitter. Criteria: ACMG Guidelines, 2015. Collection method: clinical testing. Allele origin: germline.

Labcorp Genetics (formerly Invitae), Labcorp
Classification: Uncertain significance for GATA binding protein 1 related thrombocytopenia with dyserythropoiesis; Diamond-Blackfan anemia. Last evaluated: 2024-06-13. Review status: criteria provided, single submitter. Criteria: Invitae Variant Classification Sherloc (09022015). Collection method: clinical testing. Allele origin: germline.
Comment: This sequence change replaces arginine, which is basic and polar, with tryptophan, which is neutral and slightly polar, at codon 317 of the GATA1 protein (p.Arg317Trp). The frequency data for this variant in the population databases is considered unreliable, as metrics indicate poor data quality at this position in the gnomAD database. This variant has not been reported in the literature in individuals affected with GATA1-related conditions. ClinVar contains an entry for this variant (Variation ID: 134463). Advanced modeling of protein sequence and biophysical properties (such as structural, functional, and spatial information, amino acid conservation, physicochemical variation, residue mobility, and thermodynamic stability) has been performed at Invitae for this missense variant, however the output from this modeling did not meet the statistical confidence thresholds required to predict the impact of this variant on GATA1 protein function. In summary, the available evidence is currently insufficient to determine the role of this variant in disease. Therefore, it has been classified as a Variant of Uncertain Significance.

ITMI
No classification provided. Condition: AllHighlyPenetrant. Last evaluated: 2013-09-19. Review status: no classification provided. Collection method: reference population. Allele origin: germline. Not counted in ClinVar's aggregate classification.
Comment: Please see associated publication for description of ethnicities

Literature cited by the submitters: PubMed 24728327 (cited by ITMI).

NM_002049.4(GATA1):c.949C>T (p.Arg317Trp)

Gene: GATA1 (GATA binding protein 1; plus strand). Cytogenetic location: Xp11.23.
Variant type: single nucleotide variant.
Coding change: c.949C>T on transcript NM_002049.4 (MANE Select); coding-DNA position 949, C replaced by T.
Protein change: p.Arg317Trp; replaces arginine 317 with tryptophan.
Molecular consequence: missense variant.
Genome position (GRCh38, 1-based): chrX:48,793,871, C>T. VCF-style: chrX-48793871-C-T. GRCh37 (hg19) VCF-style: chrX-48652278-C-T.
Other names: c.949C>T (NM_002049.3); short protein forms R317W.
Identifiers: ClinVar variation 134463 (VCV000134463.5), dbSNP rs781964937, ClinGen allele CA159886.